The following is an entry in ClinVar:

ClinVar aggregate classification (germline): Benign (1 of 4 stars; one submission).

Conditions:
Familial adenomatous polyposis 1 (FAP1). Also called: FAMILIAL ADENOMATOUS POLYPOSIS 1, ATTENUATED; POLYPOSIS, ADENOMATOUS INTESTINAL. Identifiers: MedGen C2713442, MONDO:0021056, OMIM 175100. Disease mechanism: loss of function.

Submission:

Myriad Genetics, Inc.
Classification: Benign for Familial adenomatous polyposis 1. Last evaluated: 2024-04-09. Review status: criteria provided, single submitter. Criteria: Myriad Autosomal Dominant, Autosomal Recessive and X-Linked Classification Criteria (2023). Collection method: clinical testing. Allele origin: unknown.
Comment: This variant is considered benign. This variant is a silent/synonymous amino acid change and it is not expected to impact splicing.

NM_000038.6(APC):c.7380T>A (p.Ala2460=)

Gene: APC (APC regulator of Wnt signaling pathway; plus strand). Cytogenetic location: 5q22.2.
Variant type: single nucleotide variant.
Coding change: c.7380T>A on transcript NM_000038.6 (MANE Select); coding-DNA position 7380, T replaced by A.
Protein change: p.Ala2460=; no amino-acid change (alanine 2460 retained).
Molecular consequence: synonymous variant. On other transcripts: non-coding transcript variant (2).
Genome position (GRCh38, 1-based): chr5:112,842,974, T>A. VCF-style: chr5-112842974-T-A. GRCh37 (hg19) VCF-style: chr5-112178671-T-A.
Other names: c.7380T>A, p.Ala2460= (NM_001127510.3, NM_001354895.2, NM_001407450.1); c.7326T>A, p.Ala2442= (NM_001127511.3); c.7434T>A, p.Ala2478= (NM_001354896.2, NM_001407447.1, NM_001407448.1 and 1 more transcripts); c.7410T>A, p.Ala2470= (NM_001354897.2); c.7305T>A, p.Ala2435= (NM_001354898.2); c.7296T>A, p.Ala2432= (NM_001354899.2); c.7257T>A, p.Ala2419= (NM_001354900.2); c.7203T>A, p.Ala2401= (NM_001354901.2, NM_001407453.1); and 11 more.
Identifiers: ClinVar variation 3254060 (VCV003254060.1), dbSNP rs1060504889.